The following is an entry in ClinVar:

ClinVar aggregate classification (germline): Uncertain significance. Review status: criteria provided, multiple submitters, no conflicts (2 of 4 stars). 2 submissions from 2 submitters: Uncertain significance (2). Last evaluated 2022-10-18.

Allele frequency attached by ClinVar (database versions not stated): TOPMed 0.00001; gnomAD 0.00002.

Submissions (2):

Labcorp Genetics (formerly Invitae), Labcorp
Classification: Uncertain significance. Last evaluated: 2022-10-18. Review status: criteria provided, single submitter. Criteria: Invitae Variant Classification Sherloc (09022015). Collection method: clinical testing. Allele origin: germline.
Comment: This sequence change replaces methionine, which is neutral and non-polar, with isoleucine, which is neutral and non-polar, at codon 1158 of the OTOG protein (p.Met1158Ile). In summary, the available evidence is currently insufficient to determine the role of this variant in disease. Therefore, it has been classified as a Variant of Uncertain Significance. Algorithms developed to predict the effect of missense changes on protein structure and function (SIFT, PolyPhen-2, Align-GVGD) all suggest that this variant is likely to be tolerated. ClinVar contains an entry for this variant (Variation ID: 505195). This variant has not been reported in the literature in individuals affected with OTOG-related conditions. This variant is present in population databases (no rsID available, gnomAD 0.004%).

Laboratory for Molecular Medicine, Mass General Brigham Personalized Medicine
Classification: Uncertain significance. Last evaluated: 2017-05-16. Review status: criteria provided, single submitter. Criteria: LMM Criteria. Collection method: clinical testing. Allele origin: germline. Observed: 2 variant alleles.
Comment: It has also be en identified in 2/52752 European chromosomes by the Genome Aggregation Database (gnomAD; dbSNP rs767774116). The methionine ( Met) at position 1158 is not conserved in mammals or evolutionary distant specie s and computational prediction tools suggest that this variant may not impact th e protein, raising the possibility that a change at this position may be tolerat ed. However, this information is not predictive enough to rule out pathogenicity . In summary, the clinical significance of the p.Met1158Ile variant is uncertain .

NM_001292063.2(OTOG):c.3438G>A (p.Met1146Ile)

Gene: OTOG (otogelin; plus strand). Cytogenetic location: 11p15.1.
Variant type: single nucleotide variant.
Coding change: c.3438G>A on transcript NM_001292063.2 (MANE Select); coding-DNA position 3438, G replaced by A.
Protein change: p.Met1146Ile; replaces methionine 1146 with isoleucine.
Molecular consequence: missense variant.
Genome position (GRCh38, 1-based): chr11:17,596,067, G>A. VCF-style: chr11-17596067-G-A. GRCh37 (hg19) VCF-style: chr11-17617614-G-A.
Other names: c.3474G>A, p.Met1158Ile (NM_001277269.2); short protein forms M1158I, M1146I.
Identifiers: ClinVar variation 505195 (VCV000505195.10), dbSNP rs767774116, ClinGen allele CA218461634.